The following is an entry in ClinVar:

NM_173483.4(CYP4F22):c.1303C>T (p.His435Tyr)

Gene: CYP4F22 (cytochrome P450 family 4 subfamily F member 22; plus strand). Cytogenetic location: 19p13.12.
Variant type: single nucleotide variant.
Coding change: c.1303C>T on transcript NM_173483.4 (MANE Select); coding-DNA position 1303, C replaced by T.
Protein change: p.His435Tyr; replaces histidine 435 with tyrosine.
Molecular consequence: missense variant.
Genome position (GRCh38, 1-based): chr19:15,549,170, C>T. VCF-style: chr19-15549170-C-T. GRCh37 (hg19) VCF-style: chr19-15659981-C-T.
Other names: short protein forms H435Y.
Identifiers: ClinVar variation 909 (VCV000000909.21), dbSNP rs118203935, ClinGen allele CA114616.
Genomic context (GRCh38, chr19:15,549,170, plus strand): 5'-GCCCCACTGATCCCATCTTTCCCCACAGGAATCATCTGCTTGGTCAGCATCTATGGAACC[C>T]ACCACAACCCCACAGTGTGGCCTGACTCCAAGGTGAGTGCCTGCCCCACTCCTCCCTGCC-3'
Protein context (NP_775754.2, residues 425-445): IICLVSIYGT[His435Tyr]HNPTVWPDSK

ClinVar aggregate classification (germline): Pathogenic. Review status: criteria provided, multiple submitters, no conflicts (2 of 4 stars). 10 submissions from 10 submitters: Pathogenic (8). 2 of the submissions do not count toward it. Last evaluated 2026-08-13.

Conditions:
CYP4F22-related disorder. Also called: CYP4F22-related condition.
Lamellar ichthyosis. Identifiers: Orphanet 313, MedGen C5848247, MONDO:0017778.
Autosomal recessive congenital ichthyosis 5 (ARCI5). Also called: Ichthyosis, nonlamellar and nonerythrodermic, congenital, autosomal recessive; ICHTHYOSIS CONGENITA III. Identifiers: Orphanet 313, MedGen C1858133, MONDO:0011485, OMIM 604777.

Allele frequency attached by ClinVar (database versions not stated): gnomAD exomes 0.00006 and 0.00011; ExAC 0.00007; gnomAD 0.00007 and 0.00008; TOPMed 0.00009.
gnomAD v4.1: 174 of 1,613,904 alleles (0.011%); highest among the groups gnomAD compares: Non-Finnish European, 0.013%; no homozygotes.

Submissions (10):

GeneDx
Classification: Pathogenic. Last evaluated: 2026-08-13. Review status: criteria provided, single submitter. Criteria: GeneDx Variant Classification Process June 2021. Collection method: clinical testing. Allele origin: germline.
Comment: Published functional studies demonstrated that protein activity decreased significantly compared to wild-type protein activity (PMID: 26056268); In silico analysis supports that this missense variant has a deleterious effect on protein structure/function; This variant is associated with the following publications: (PMID: 39843441, 33786896, 16436457, 26646773, 31130284, 32069299, 31589614, 41024252, 33067036, 26056268)

Labcorp Genetics (formerly Invitae), Labcorp
Classification: Pathogenic. Last evaluated: 2026-01-21. Review status: criteria provided, single submitter. Criteria: Invitae Variant Classification Sherloc (09022015). Collection method: clinical testing. Allele origin: germline.
Comment: This sequence change replaces histidine, which is basic and polar, with tyrosine, which is neutral and polar, at codon 435 of the CYP4F22 protein (p.His435Tyr). This variant is present in population databases (rs118203935, gnomAD 0.01%). This missense change has been observed in individuals with non-syndromic autosomal recessive congenital ichthyosis (PMID: 16436457, 26646773). It has also been observed to segregate with disease in related individuals. ClinVar contains an entry for this variant (Variation ID: 909). Invitae Evidence Modeling of protein sequence and biophysical properties (such as structural, functional, and spatial information, amino acid conservation, physicochemical variation, residue mobility, and thermodynamic stability) indicates that this missense variant is expected to disrupt CYP4F22 protein function with a positive predictive value of 95%. For these reasons, this variant has been classified as Pathogenic.

Blueprint Genetics
Classification: Pathogenic for CYP4F22-related disorders. Last evaluated: 2024-10-07. Review status: criteria provided, single submitter. Criteria: ACMG Guidelines, 2015. Collection method: clinical testing. Allele origin: germline. Affected: yes. Observed: 5 variant alleles.

Genomic Medicine Center of Excellence, King Faisal Specialist Hospital and Research Centre
Classification: Pathogenic for Autosomal recessive congenital ichthyosis 5. Last evaluated: 2024-09-22. Review status: criteria provided, single submitter. Criteria: ACMG Guidelines, 2015. Collection method: clinical testing. Allele origin: germline.

3billion
Classification: Pathogenic for Autosomal recessive congenital ichthyosis 5. Last evaluated: 2023-02-23. Review status: criteria provided, single submitter. Criteria: ACMG Guidelines, 2015. Collection method: clinical testing. Allele origin: unknown. Affected: yes.
Comment: The variant is observed at an extremely low frequency in the gnomAD v2.1.1 dataset (total allele frequency: 0.005%). Missense changes are a common disease-causing mechanism. In silico tool predictions suggest damaging effect of the variant on gene or gene product (REVEL: 0.82; 3Cnet: 0.85). Same nucleotide change resulting in same amino acid change has been previously reported as pathogenic/likely pathogenic with strong evidence (ClinVar ID: VCV000000909). The variant has been reported to be in trans with a pathogenic variant as either compound heterozygous or homozygous in at least one similarly affected unrelated individual (PMID: 16436457). The variant has been reported to co-segregate with the disease in at least one similarly affected relative/individual in the same family or similarly affected unrelated family (PMID: 16436457). Therefore, this variant is classified as Pathogenic according to the recommendation of ACMG/AMP guideline.

Women's Health and Genetics/Laboratory Corporation of America, LabCorp
Classification: Pathogenic for Lamellar ichthyosis. Last evaluated: 2021-08-24. Review status: criteria provided, single submitter. Criteria: LabCorp Variant Classification Summary - May 2015. Collection method: clinical testing. Allele origin: germline.
Comment: Variant summary: CYP4F22 c.1303C>T (p.His435Tyr) results in a conservative amino acid change in the encoded protein sequence. Four of five in-silico tools predict a damaging effect of the variant on protein function. The variant allele was found at a frequency of 5.6e-05 in 251446 control chromosomes. This frequency is not significantly higher than expected for a pathogenic variant in CYP4F22 causing Lamellar Ichthyosis (5.6e-05 vs 0.00071), allowing no conclusion about variant significance. c.1303C>T has been reported in the literature in numerous individuals affected with Lamellar Ichthyosis, including segregating in multiple families (eg. Lefevre_2006, Esperon-Moldes_2020, etc). Functional studies have shown the variant result in significantly decreased omega-hydroxylase activity compared to wild-type (Ohno_2015). Four clinical diagnostic laboratories have submitted clinical-significance assessments for this variant to ClinVar after 2014 without evidence for independent evaluation. All laboratories classified the variant as pathogenic. Based on the evidence outlined above, the variant was classified as pathogenic.

Revvity Omics, Revvity
Classification: Pathogenic for Autosomal recessive congenital ichthyosis 5. Last evaluated: 2020-09-24. Review status: criteria provided, single submitter. Criteria: ACMG Guidelines, 2015. Collection method: clinical testing. Allele origin: germline.

Baylor Genetics
Classification: Pathogenic for Autosomal recessive congenital ichthyosis 5. Last evaluated: 2019-10-12. Review status: criteria provided, single submitter. Criteria: ACMG Guidelines, 2015. Collection method: clinical testing. Allele origin: unknown. Affected: yes.
Comment: This variant was determined to be pathogenic according to ACMG Guidelines, 2015 [PMID:25741868].

Institute for Human Genetics, University Medical Center Freiburg
Classification: Pathogenic for Autosomal recessive congenital ichthyosis 5. Last evaluated: 2018-04-23. Review status: no assertion criteria provided. Collection method: clinical testing. Allele origin: germline. Affected: yes. Not counted in ClinVar's aggregate classification.

OMIM
Classification: Pathogenic for ICHTHYOSIS, CONGENITAL, AUTOSOMAL RECESSIVE 5. Last evaluated: 2006-03-01. Review status: no assertion criteria provided. Collection method: literature only. Allele origin: germline. Not counted in ClinVar's aggregate classification.

Literature cited by the submitters: PubMed 16436457 (cited by 5 submitters); PubMed 26646773 (cited by Labcorp Genetics (formerly Invitae), Labcorp); PubMed 32069299 (cited by Women's Health and Genetics/Laboratory Corporation of America, LabCorp); PubMed 26056268 (cited by Women's Health and Genetics/Laboratory Corporation of America, LabCorp).